The following is an entry in ClinVar:

NM_015103.3(PLXND1):c.2712C>T (p.Asp904=)

Gene: PLXND1 (plexin D1; minus strand). Cytogenetic location: 3q22.1.
Variant type: single nucleotide variant.
Coding change: c.2712C>T on transcript NM_015103.3 (MANE Select); coding-DNA position 2712, C replaced by T.
Protein change: p.Asp904=; no amino-acid change (aspartic acid 904 retained).
Molecular consequence: synonymous variant.
Genome position (GRCh38, 1-based): chr3:129,573,719, G>A on the plus strand (C>T on the coding strand, the complement: PLXND1 is on the minus strand). VCF-style: chr3-129573719-G-A. GRCh37 (hg19) VCF-style: chr3-129292562-G-A.
Identifiers: ClinVar variation 712440 (VCV000712440.7), dbSNP rs57901044, ClinGen allele CA2608904.

ClinVar aggregate classification (germline): Benign. Review status: criteria provided, multiple submitters, no conflicts (2 of 4 stars). 3 submissions from 3 submitters: Benign (2). 1 of the submissions does not count toward it. Last evaluated 2019-12-31.

Conditions:
PLXND1-related disorder. Also called: PLXND1-related condition.

Allele frequency attached by ClinVar (database versions not stated): gnomAD exomes 0.00160 and 0.00357; ExAC 0.00464; gnomAD 0.01276 and 0.01371; 1000 Genomes Project 0.01378; TOPMed 0.01484; ESP Exome Variant Server 0.01507; 1000 Genomes Project 30x 0.01593.
gnomAD v4.1: 4,349 of 1,613,552 alleles (0.27%); highest among the groups gnomAD compares: African/African-American, 4.6%; 91 homozygotes.

Submissions (3):

Labcorp Genetics (formerly Invitae), Labcorp
Classification: Benign. Last evaluated: 2019-12-31. Review status: criteria provided, single submitter. Criteria: Invitae Variant Classification Sherloc (09022015). Collection method: clinical testing. Allele origin: germline.

Breakthrough Genomics
Classification: Benign. Review status: criteria provided, single submitter. Criteria: ACMG Guidelines, 2015. Collection method: not provided. Allele origin: germline. Inheritance: Unknown mechanism. Affected: yes.

PreventionGenetics, part of Exact Sciences
Classification: Benign for PLXND1-related condition. Last evaluated: 2024-04-30. Review status: no assertion criteria provided. Collection method: clinical testing. Allele origin: germline. Not counted in ClinVar's aggregate classification.
Comment: This variant is classified as benign based on ACMG/AMP sequence variant interpretation guidelines (Richards et al. 2015 PMID: 25741868, with internal and published modifications).